The following is an entry in ClinVar:

NM_003361.4(UMOD):c.1243C>T (p.Arg415Cys)

Gene: UMOD (uromodulin; minus strand). Cytogenetic location: 16p12.3.
Variant type: single nucleotide variant.
Coding change: c.1243C>T on transcript NM_003361.4 (MANE Select); coding-DNA position 1243, C replaced by T.
Protein change: p.Arg415Cys; replaces arginine 415 with cysteine.
Molecular consequence: missense variant. On other transcripts: non-coding transcript variant (1).
Genome position (GRCh38, 1-based): chr16:20,344,112, G>A on the plus strand (C>T on the coding strand, the complement: UMOD is on the minus strand). VCF-style: chr16-20344112-G-A. GRCh37 (hg19) VCF-style: chr16-20355434-G-A.
Other names: c.1243C>T, p.Arg415Cys (NM_001008389.3, NM_001378232.1, NM_001378233.1 and 3 more transcripts); c.1342C>T, p.Arg448Cys (NM_001278614.2); short protein forms R448C, R415C.
Identifiers: ClinVar variation 884577 (VCV000884577.21), dbSNP rs758221597, ClinGen allele CA7939222.

ClinVar aggregate classification (germline): Conflicting classifications of pathogenicity. Review status: criteria provided, conflicting classifications (1 of 4 stars). 4 submissions from 4 submitters: Uncertain significance (3); Likely benign (1). Last evaluated 2025-01-01.

Conditions:
Chronic kidney disease. Identifiers: MedGen C1561643, MONDO:0005300, HP:0012622.
Familial juvenile hyperuricemic nephropathy type 1 (ADTKD1). Also called: Autosomal Dominant Tubulointerstitial Kidney Disease – UMOD; UMOD-Associated Kidney Disease; Uromodulin-associated kidney disease; Glomerulocystic kidney disease with hyperuricemia and isosthenuria; Medullary cystic kidney disease 2. Identifiers: Orphanet 209886, Orphanet 34149, Orphanet 88950, MedGen C4551496, MONDO:0008073, OMIM 162000.

Allele frequency attached by ClinVar (database versions not stated): gnomAD 0.00003; gnomAD exomes 0.00003; ExAC 0.00002; TOPMed 0.00003.

Submissions (4):

CeGaT Center for Human Genetics Tuebingen
Classification: Uncertain significance. Last evaluated: 2025-01-01. Review status: criteria provided, single submitter. Criteria: CeGaT Center For Human Genetics Tuebingen Variant Classification Criteria Version 2. Collection method: clinical testing. Allele origin: germline. Affected: yes. Observed: 1 variant allele.

Fulgent Genetics
Classification: Uncertain significance for Familial juvenile hyperuricemic nephropathy type 1. Last evaluated: 2024-05-25. Review status: criteria provided, single submitter. Criteria: ACMG Guidelines, 2015. Collection method: clinical testing. Allele origin: germline.

Cavalleri Lab, Royal College of Surgeons in Ireland
Classification: Uncertain significance for Chronic kidney disease. Last evaluated: 2020-05-28. Review status: criteria provided, single submitter. Criteria: ACMG Guidelines, 2015. Collection method: research. Allele origin: unknown. Inheritance: Autosomal dominant inheritance. Affected: yes.
Comment: PP2, PP3

Illumina Laboratory Services, Illumina
Classification: Likely benign for UMOD-Associated Kidney Disease. Last evaluated: 2018-01-13. Review status: criteria provided, single submitter. Criteria: ICSL Variant Classification Criteria 13 December 2019. Collection method: clinical testing. Allele origin: germline.
Comment: This variant was observed in the ICSL laboratory as part of a predisposition screen in an ostensibly healthy population. It had not been previously curated by ICSL or reported in the Human Gene Mutation Database (HGMD: prior to June 1st, 2018), and was therefore a candidate for classification through an automated scoring system. Utilizing variant allele frequency, disease prevalence and penetrance estimates, and inheritance mode, an automated score was calculated to assess if this variant is too frequent to cause the disease. Based on the score and internal cut-off values, a variant classified as likely benign is not then subjected to further curation. The score for this variant resulted in a classification of likely benign for this disease.